The following is an entry in ClinVar:

NM_001136472.2(LITAF):c.234G>A (p.Thr78=)

Gene: LITAF (lipopolysaccharide induced TNF factor; minus strand). Cytogenetic location: 16p13.13.
Variant type: single nucleotide variant.
Coding change: c.234G>A on transcript NM_001136472.2 (MANE Select); coding-DNA position 234, G replaced by A.
Protein change: p.Thr78=; no amino-acid change (threonine 78 retained).
Molecular consequence: synonymous variant. On other transcripts: non-coding transcript variant (1).
Genome position (GRCh38, 1-based): chr16:11,553,676, C>T on the plus strand (G>A on the coding strand, the complement: LITAF is on the minus strand). VCF-style: chr16-11553676-C-T. GRCh37 (hg19) VCF-style: chr16-11647532-C-T.
Other names: p.Thr78=; c.234G>A, p.Thr78= (NM_001136473.1, NM_004862.4).
Identifiers: ClinVar variation 220753 (VCV000220753.56), dbSNP rs9282774, ClinGen allele CA349683.
Genomic context (GRCh38, chr16:11,553,676, plus strand): 5'-GGAAGGACAACACATTTGGATAGGGCGGTCCAAAAAGGTGATGGGGTGCTGCACGTAGAC[C>T]GTCTGCACGGTAACTGATGAAAGGGAGAGGGACAAACACAGGTTGCTCAGGAAACAAGGC-3'
Protein context (NP_001129944.1, residues 68-88): IPNNNPITVQ[Thr78=]VYVQHPITFL

ClinVar aggregate classification (germline): Benign. Review status: criteria provided, multiple submitters, no conflicts (2 of 4 stars). 9 submissions from 9 submitters: Benign (9). Last evaluated 2026-09-01.

Conditions:
Charcot-Marie-Tooth disease type 1C. Also called: CHARCOT-MARIE-TOOTH NEUROPATHY, TYPE 1C; NEUROPATHY, HEREDITARY MOTOR AND SENSORY, TYPE IC; CHARCOT-MARIE-TOOTH DISEASE, DEMYELINATING, TYPE 1C; CMT, SLOW NERVE CONDUCTION TYPE C; HMSN IC; Charcot-Marie-Tooth disease, type IC. Identifiers: Orphanet 101083, MedGen C0270913, MONDO:0010995, OMIM 601098.
Charcot-Marie-Tooth disease. Also called: Charcot-Marie-Tooth Neuropathy; Charcot-Marie-Tooth Hereditary Neuropathy. Identifiers: Orphanet 166, MedGen C0007959, MONDO:0015626.

Allele frequency attached by ClinVar (database versions not stated): 1000 Genomes Project 0.00779; 1000 Genomes Project 30x 0.00843; gnomAD 0.00987 and 0.00995; ESP Exome Variant Server 0.01016; TOPMed 0.01023; gnomAD exomes 0.01026; ExAC 0.01113.
gnomAD v4.1: 19,875 of 1,614,036 alleles (1.2%); highest among the groups gnomAD compares: Middle Eastern, 2.4%; 153 homozygotes.

Submissions (9):

CeGaT Center for Human Genetics Tuebingen
Classification: Benign. Last evaluated: 2026-09-01. Review status: criteria provided, single submitter. Criteria: CeGaT Center For Human Genetics Tuebingen Variant Classification Criteria Version 2. Collection method: clinical testing. Allele origin: germline. Affected: yes. Observed: 48 variant alleles.
Comment: LITAF: BP4, BP7, BS1, BS2

Labcorp Genetics (formerly Invitae), Labcorp
Classification: Benign for Charcot-Marie-Tooth disease type 1C. Last evaluated: 2026-01-29. Review status: criteria provided, single submitter. Criteria: Invitae Variant Classification Sherloc (09022015). Collection method: clinical testing. Allele origin: germline.

ARUP Laboratories, Molecular Genetics and Genomics, ARUP Laboratories
Classification: Benign for Charcot-Marie-Tooth disease type 1C. Last evaluated: 2025-07-28. Review status: criteria provided, single submitter. Criteria: ARUP Molecular Germline Variant Investigation Process 2024. Collection method: clinical testing. Allele origin: germline.

Athena Diagnostics
Classification: Benign. Last evaluated: 2025-06-04. Review status: criteria provided, single submitter. Criteria: Athena Diagnostics Criteria. Collection method: clinical testing. Allele origin: unknown.
Comment: The frequency of this variant in the general population is higher than would generally be expected for pathogenic variants in this gene. Computational tools yielded predictions that this variant is unlikely to have an effect on normal RNA splicing. This nucleotide position exhibits low evolutionary conservation. This variant has been seen where an alternate explanation for disease was also identified.

Illumina Laboratory Services, Illumina
Classification: Benign for Charcot-Marie-Tooth disease type 1C. Last evaluated: 2018-01-13. Review status: criteria provided, single submitter. Criteria: ICSL Variant Classification Criteria 13 December 2019. Collection method: clinical testing. Allele origin: germline.
Comment: This variant was observed in the ICSL laboratory as part of a predisposition screen in an ostensibly healthy population. It had not been previously curated by ICSL or reported in the Human Gene Mutation Database (HGMD: prior to June 1st, 2018), and was therefore a candidate for classification through an automated scoring system. Utilizing variant allele frequency, disease prevalence and penetrance estimates, and inheritance mode, an automated score was calculated to assess if this variant is too frequent to cause the disease. Based on the score and internal cut-off values, a variant classified as benign is not then subjected to further curation. The score for this variant resulted in a classification of benign for this disease.

Mayo Clinic Laboratories, Mayo Clinic
Classification: Benign. Last evaluated: 2015-10-22. Review status: criteria provided, single submitter. Criteria: ACMG Guidelines, 2015. Collection method: clinical testing. Allele origin: germline. Observed: 56 variant alleles.

GeneDx
Classification: Benign. Last evaluated: 2015-03-03. Review status: criteria provided, single submitter. Criteria: GeneDx Variant Classification Process June 2021. Collection method: clinical testing. Allele origin: germline. Affected: yes.

Breakthrough Genomics
Classification: Benign. Review status: criteria provided, single submitter. Criteria: ACMG Guidelines, 2015. Collection method: not provided. Allele origin: germline. Inheritance: Autosomal dominant inheritance. Affected: yes.

Molecular Genetics Laboratory, London Health Sciences Centre
Classification: Benign for Charcot-Marie-Tooth disease. Review status: criteria provided, single submitter. Criteria: ACMG Guidelines, 2015. Collection method: clinical testing. Allele origin: germline. Affected: yes.

Literature cited by the submitters: PubMed 16787513 (cited by Athena Diagnostics); PubMed 15122712 (cited by Athena Diagnostics); PubMed 27009151 (cited by Athena Diagnostics).